The following is an entry in ClinVar:

NM_017613.4(DONSON):c.921A>G (p.Ile307Met)

Gene: DONSON (DNA replication fork stabilization factor DONSON; minus strand). Cytogenetic location: 21q22.11.
Variant type: single nucleotide variant.
Coding change: c.921A>G on transcript NM_017613.4 (MANE Select); coding-DNA position 921, A replaced by G.
Protein change: p.Ile307Met; replaces isoleucine 307 with methionine.
Molecular consequence: missense variant.
Genome position (GRCh38, 1-based): chr21:33,583,531, T>C on the plus strand (A>G on the coding strand, the complement: DONSON is on the minus strand). VCF-style: chr21-33583531-T-C. GRCh37 (hg19) VCF-style: chr21-34955837-T-C.
Other names: short protein forms I307M.
Identifiers: ClinVar variation 1939062 (VCV001939062.5), dbSNP rs762575148, ClinGen allele CA10010474.
Genomic context (GRCh38, chr21:33,583,531, plus strand): 5'-TAAACCTAAACTTTTACCTTCATTTCTCATAGCTTCTCTTAAACCTCGAGTTGTTGGAGA[T>C]ATGAGAGCTGTGATTAAGTCACTTCCAGCTAATCCTGCTGCTCGGAACAGGACAGTAAAC-3'
Protein context (NP_060083.1, residues 297-317): LAGSDLITAL[Ile307Met]SPTTRGLREA

ClinVar aggregate classification (germline): Uncertain significance (1 of 4 stars; one submission).

Allele frequency attached by ClinVar (database versions not stated): ExAC 0.00002.
gnomAD v4.1: 5 of 1,614,024 alleles (0.00031%); highest among the groups gnomAD compares: Non-Finnish European, 0.00042%; no homozygotes.

Submission:

Labcorp Genetics (formerly Invitae), Labcorp
Classification: Uncertain significance. Last evaluated: 2022-02-09. Review status: criteria provided, single submitter. Criteria: Invitae Variant Classification Sherloc (09022015). Collection method: clinical testing. Allele origin: germline.
Comment: In summary, the available evidence is currently insufficient to determine the role of this variant in disease. Therefore, it has been classified as a Variant of Uncertain Significance. Algorithms developed to predict the effect of missense changes on protein structure and function output the following: SIFT: "Tolerated"; PolyPhen-2: "Benign"; Align-GVGD: "Class C0". The methionine amino acid residue is found in multiple mammalian species, which suggests that this missense change does not adversely affect protein function. This variant has not been reported in the literature in individuals affected with DONSON-related conditions. This variant is present in population databases (rs762575148, gnomAD 0.002%). This sequence change replaces isoleucine, which is neutral and non-polar, with methionine, which is neutral and non-polar, at codon 307 of the DONSON protein (p.Ile307Met).